The following is an entry in ClinVar:

NM_018136.5(ASPM):c.5797G>A (p.Ala1933Thr)

Gene: ASPM (assembly factor for spindle microtubules; minus strand). Cytogenetic location: 1q31.3.
Variant type: single nucleotide variant.
Coding change: c.5797G>A on transcript NM_018136.5 (MANE Select); coding-DNA position 5797, G replaced by A.
Protein change: p.Ala1933Thr; replaces alanine 1933 with threonine.
Molecular consequence: missense variant. On other transcripts: intron variant (1).
Genome position (GRCh38, 1-based): chr1:197,103,454, C>T on the plus strand (G>A on the coding strand, the complement: ASPM is on the minus strand). VCF-style: chr1-197103454-C-T. GRCh37 (hg19) VCF-style: chr1-197072584-C-T.
Other names: c.4066-7290G>A (NM_001206846.2); short protein forms A1933T.
Identifiers: ClinVar variation 2501927 (VCV002501927.1), dbSNP rs750566335, ClinGen allele CA1309690.

ClinVar aggregate classification (germline): Uncertain significance (1 of 4 stars; one submission).

Allele frequency attached by ClinVar (database versions not stated): ExAC 0.00001.

Submission:

GeneDx
Classification: Uncertain significance. Last evaluated: 2022-11-14. Review status: criteria provided, single submitter. Criteria: GeneDx Variant Classification Process June 2021. Collection method: clinical testing. Allele origin: germline. Affected: yes.
Comment: Not observed at significant frequency in large population cohorts (gnomAD); In silico analysis supports that this missense variant has a deleterious effect on protein structure/function; Missense variant in a gene in which most reported pathogenic variants are truncating/loss of function; Has not been previously published as pathogenic or benign to our knowledge